The following is an entry in ClinVar:

NM_023110.3(FGFR1):c.1553-2A>G

Gene: FGFR1 (fibroblast growth factor receptor 1; minus strand). Cytogenetic location: 8p11.23.
Variant type: single nucleotide variant.
Coding change: c.1553-2A>G on transcript NM_023110.3 (MANE Select); the canonical splice acceptor site of the intron before coding-DNA position 1553, A replaced by G.
Molecular consequence: splice acceptor variant.
Genome position (GRCh38, 1-based): chr8:38,417,418, T>C on the plus strand (A>G on the coding strand, the complement: FGFR1 is on the minus strand). VCF-style: chr8-38417418-T-C. GRCh37 (hg19) VCF-style: chr8-38274936-T-C.
Other names: c.1274-2A>G (NM_001354368.2); c.1280-2A>G (NM_001354370.2, NM_023106.3); c.1286-2A>G (NM_023105.3, NM_001174066.2); c.1547-2A>G (NM_001354367.2, NM_015850.4, NM_001174063.2 and 1 more transcripts); c.1523-2A>G (NM_001174064.2); c.1541-2A>G (NM_001354369.2, NM_001410922.1); c.1646-2A>G (NM_001174067.2).
Identifiers: ClinVar variation 2505391 (VCV002505391.1), dbSNP rs2150631395, ClinGen allele CA370732435.

ClinVar aggregate classification (germline): Pathogenic (1 of 4 stars; one submission).

Conditions:
Hypogonadotropic hypogonadism 2 with or without anosmia (HH2). Also called: FGFR1-Related GnRH Deficiency (Kallmann Syndrome 2); HYPOGONADOTROPIC HYPOGONADISM 2 WITHOUT ANOSMIA; HYPOGONADOTROPIC HYPOGONADISM 2 WITH OR WITHOUT ANOSMIA, SUSCEPTIBILITY TO; HYPOGONADOTROPIC HYPOGONADISM 2 WITHOUT ANOSMIA, SUSCEPTIBILITY TO. Identifiers: Orphanet 478, MedGen C1563720, MONDO:0007844, OMIM 147950. Disease mechanism: loss of function.

Submission:

Reproductive Endocrine Unit, Massachusetts General Hospital
Classification: Pathogenic for Hypogonadotropic hypogonadism 2 with or without anosmia. Last evaluated: 2023-05-04. Review status: criteria provided, single submitter. Criteria: ACMG Guidelines, 2015. Collection method: research. Allele origin: de novo. Affected: yes. Observed: 1 variant allele.
Comment: The variant NM_023110.2:c.1553-2A>G, has been classified as P1a based on the variant meeting the following ACMG Criteria: PVS1,PS2,PM2,PP3.